The following is an entry in ClinVar:

NM_001805.4(CEBPE):c.558G>A (p.Ala186=)

Gene: CEBPE (CCAAT enhancer binding protein epsilon; minus strand). Cytogenetic location: 14q11.2.
Variant type: single nucleotide variant.
Coding change: c.558G>A on transcript NM_001805.4 (MANE Select); coding-DNA position 558, G replaced by A.
Protein change: p.Ala186=; no amino-acid change (alanine 186 retained).
Molecular consequence: synonymous variant.
Genome position (GRCh38, 1-based): chr14:23,117,775, C>T on the plus strand (G>A on the coding strand, the complement: CEBPE is on the minus strand). VCF-style: chr14-23117775-C-T. GRCh37 (hg19) VCF-style: chr14-23586984-C-T.
Identifiers: ClinVar variation 727768 (VCV000727768.29), dbSNP rs372854243, ClinGen allele CA7111151.

ClinVar aggregate classification (germline): Benign/Likely benign. Review status: criteria provided, multiple submitters, no conflicts (2 of 4 stars). 3 submissions from 3 submitters: Benign (1); Likely benign (2). Last evaluated 2025-09-08.

Conditions:
Specific granule deficiency. Identifiers: Orphanet 169142, MedGen C0398593, MONDO:0009506.

Allele frequency attached by ClinVar (database versions not stated): ESP Exome Variant Server 0.00008; TOPMed 0.00011; gnomAD 0.00030 and 0.00034; gnomAD exomes 0.00032; ExAC 0.00033.
gnomAD v4.1: 363 of 1,611,988 alleles (0.023%); highest among the groups gnomAD compares: Non-Finnish European, 0.019%; no homozygotes.

Submissions (3):

Labcorp Genetics (formerly Invitae), Labcorp
Classification: Benign for Specific granule deficiency. Last evaluated: 2025-09-08. Review status: criteria provided, single submitter. Criteria: Invitae Variant Classification Sherloc (09022015). Collection method: clinical testing. Allele origin: germline.

Blueprint Genetics
Classification: Likely benign. Last evaluated: 2024-09-25. Review status: criteria provided, single submitter. Criteria: ACMG Guidelines, 2015. Collection method: clinical testing. Allele origin: germline.

CeGaT Center for Human Genetics Tuebingen
Classification: Likely benign. Last evaluated: 2024-07-01. Review status: criteria provided, single submitter. Criteria: CeGaT Center For Human Genetics Tuebingen Variant Classification Criteria Version 2. Collection method: clinical testing. Allele origin: germline. Affected: yes. Observed: 1 variant allele.
Comment: CEBPE: BP4, BP7